The following is an entry in ClinVar:

ClinVar aggregate classification (germline): Uncertain significance. Review status: criteria provided, multiple submitters, no conflicts (2 of 4 stars). 2 submissions from 2 submitters: Uncertain significance (2). Last evaluated 2025-10-21.

Conditions:
Age related macular degeneration 1 (ARMD1). Also called: MACULOPATHY, AGE-RELATED, 1. Identifiers: MedGen C1864205, MONDO:0011285, OMIM 603075.

Allele frequency attached by ClinVar (database versions not stated): TOPMed 0.00002; ESP Exome Variant Server 0.00008.
gnomAD v4.1: 26 of 1,612,614 alleles (0.0016%); highest among the groups gnomAD compares: Non-Finnish European, 0.002%; no homozygotes.

Submissions (2):

Labcorp Genetics (formerly Invitae), Labcorp
Classification: Uncertain significance. Last evaluated: 2025-10-21. Review status: criteria provided, single submitter. Criteria: Invitae Variant Classification Sherloc (09022015). Collection method: clinical testing. Allele origin: germline.
Comment: This sequence change affects codon 2103 of the HMCN1 mRNA. It is a 'silent' change, meaning that it does not change the encoded amino acid sequence of the HMCN1 protein. This variant is present in population databases (rs367790421, gnomAD 0.003%). This variant has not been reported in the literature in individuals affected with HMCN1-related conditions. ClinVar contains an entry for this variant (Variation ID: 876606). Algorithms developed to predict the effect of sequence changes on RNA splicing suggest that this variant may disrupt the consensus splice site. In summary, the available evidence is currently insufficient to determine the role of this variant in disease. Therefore, it has been classified as a Variant of Uncertain Significance.

Illumina Laboratory Services, Illumina
Classification: Uncertain significance for Age related macular degeneration 1. Last evaluated: 2018-01-13. Review status: criteria provided, single submitter. Criteria: ICSL Variant Classification Criteria 13 December 2019. Collection method: clinical testing. Allele origin: germline.

NM_031935.3(HMCN1):c.6309G>C (p.Pro2103=)

Gene: HMCN1 (hemicentin 1; plus strand). Cytogenetic location: 1q31.1.
Variant type: single nucleotide variant.
Coding change: c.6309G>C on transcript NM_031935.3 (MANE Select); coding-DNA position 6309, G replaced by C.
Protein change: p.Pro2103=; no amino-acid change (proline 2103 retained).
Molecular consequence: synonymous variant.
Genome position (GRCh38, 1-based): chr1:186,045,692, G>C. VCF-style: chr1-186045692-G-C. GRCh37 (hg19) VCF-style: chr1-186014824-G-C.
Identifiers: ClinVar variation 876606 (VCV000876606.5), dbSNP rs367790421, ClinGen allele CA1292542.